The following is an entry in ClinVar:

ClinVar aggregate classification (germline): Uncertain significance (1 of 4 stars; one submission).

Conditions:
Frontotemporal dementia and/or amyotrophic lateral sclerosis 4. Also called: FTDALS4. Identifiers: Orphanet 275872, MedGen C4225325, MONDO:0014641, OMIM 616439.

Submission:

Labcorp Genetics (formerly Invitae), Labcorp
Classification: Uncertain significance for Frontotemporal dementia and/or amyotrophic lateral sclerosis 4. Last evaluated: 2024-12-22. Review status: criteria provided, single submitter. Criteria: Invitae Variant Classification Sherloc (09022015). Collection method: clinical testing. Allele origin: germline.
Comment: This sequence change falls in intron 13 of the TBK1 gene. It does not directly change the encoded amino acid sequence of the TBK1 protein. It affects a nucleotide within the consensus splice site. This variant is not present in population databases (gnomAD no frequency). This variant has not been reported in the literature in individuals affected with TBK1-related conditions. Variants that disrupt the consensus splice site are a relatively common cause of aberrant splicing (PMID: 17576681, 9536098). Algorithms developed to predict the effect of sequence changes on RNA splicing suggest that this variant may disrupt the consensus splice site. In summary, the available evidence is currently insufficient to determine the role of this variant in disease. Therefore, it has been classified as a Variant of Uncertain Significance.

Literature cited by the submitters: PubMed 17576681; PubMed 9536098.

NM_013254.4(TBK1):c.1521+3_1521+6del

Gene: TBK1 (TANK binding kinase 1; plus strand). Cytogenetic location: 12q14.2.
Variant type: Deletion.
Coding change: c.1521+3_1521+6del on transcript NM_013254.4 (MANE Select); bases 3 to 6 of the intron after coding-DNA position 1521, 4 bases deleted (AAGT; older notation c.1521+3_1521+6delAAGT).
Molecular consequence: splice donor variant.
Genome position (GRCh38, 1-based): chr12:64,490,122-64,490,125, AAGT deleted; deleting any 4 consecutive bases within chr12:64,490,119-64,490,125 gives the same sequence; the c. name uses the placement nearest the transcript's 3' end. VCF-style (leftmost placement, unchanged base first): chr12-64490118-GAGTA-G. GRCh37 (hg19) VCF-style: chr12-64883898-GAGTA-G.
Identifiers: ClinVar variation 3715554 (VCV003715554.2).
Genomic context (GRCh38, chr12:64,490,118, plus strand): 5'-AGATCAACCTGGAAGCGGCAGAGTTAGGTGAAATTTCAGACATACACACCAAATTGTTGA[GAGTA>G]AGTGTTTACAAAATTACGAAATTTGTAAGCTCATAACCTATTCCTTTGCTGGCACTATTA-3'